The following is an entry in ClinVar:

NM_006648.4(WNK2):c.3047C>T (p.Ala1016Val)

Gene: WNK2 (WNK lysine deficient protein kinase 2; plus strand). Cytogenetic location: 9q22.31.
Variant type: single nucleotide variant.
Coding change: c.3047C>T on transcript NM_006648.4 (MANE Select); coding-DNA position 3047, C replaced by T.
Protein change: p.Ala1016Val; replaces alanine 1016 with valine.
Molecular consequence: missense variant.
Genome position (GRCh38, 1-based): chr9:93,259,595, C>T. VCF-style: chr9-93259595-C-T. GRCh37 (hg19) VCF-style: chr9-96021877-C-T.
Other names: c.3047C>T, p.Ala1016Val (NM_001282394.3); short protein forms A1016V.
Identifiers: ClinVar variation 3470492 (VCV003470492.1).
Genomic context (GRCh38, chr9:93,259,595, plus strand): 5'-CGGCACTGCCTGTGCGCCCTGAGCCCCTCCAGCCCCACCTTCCTGAACAAGCTGCTCCAG[C>T]TGCTACACCAGGGAGCCAGGTAATCACCTGCTGGGCAGGGGCTCACCCTCCCAGCGTCTG-3'
Protein context (NP_006639.3, residues 1006-1026): QPHLPEQAAP[Ala1016Val]ATPGSQILLG

ClinVar aggregate classification (germline): Uncertain significance (1 of 4 stars; one submission).

Submission:

Ambry Genetics
Classification: Uncertain significance. Last evaluated: 2024-11-28. Review status: criteria provided, single submitter. Criteria: Ambry Variant Classification Scheme 2023. Collection method: clinical testing. Allele origin: germline.
Comment: The p.A1016V variant (also known as c.3047C>T), located in coding exon 11 of the WNK2 gene, results from a C to T substitution at nucleotide position 3047. The alanine at codon 1016 is replaced by valine, an amino acid with similar properties. This amino acid position is conserved. In addition, this alteration is predicted to be tolerated by in silico analysis. Based on the available evidence, the clinical significance of this variant remains unclear.